The following is an entry in ClinVar:

NM_031407.7(HUWE1):c.1523T>G (p.Leu508Arg)

Gene: HUWE1 (HECT, UBA and WWE domain containing E3 ubiquitin protein ligase 1; minus strand). Cytogenetic location: Xp11.22.
Variant type: single nucleotide variant.
Coding change: c.1523T>G on transcript NM_031407.7 (MANE Select); coding-DNA position 1523, T replaced by G.
Protein change: p.Leu508Arg; replaces leucine 508 with arginine.
Molecular consequence: missense variant.
Genome position (GRCh38, 1-based): chrX:53,625,225, A>C on the plus strand (T>G on the coding strand, the complement: HUWE1 is on the minus strand). VCF-style: chrX-53625225-A-C. GRCh37 (hg19) VCF-style: chrX-53652186-A-C.
Other names: c.1523T>G, p.Leu508Arg (NM_001441048.1, NM_001441049.1, NM_001441051.1 and 6 more transcripts); c.1544T>G, p.Leu515Arg (NM_001441050.1, NM_001441055.1); short protein forms L508R, L515R.
Identifiers: ClinVar variation 4822551 (VCV004822551.4).

ClinVar aggregate classification (germline): Uncertain significance (1 of 4 stars; one submission).

Submission:

CeGaT Center for Human Genetics Tuebingen
Classification: Uncertain significance. Last evaluated: 2026-01-01. Review status: criteria provided, single submitter. Criteria: CeGaT Center For Human Genetics Tuebingen Variant Classification Criteria Version 2. Collection method: clinical testing. Allele origin: germline. Affected: yes. Observed: 1 variant allele.
Comment: HUWE1: PM2, PP2